The following is an entry in ClinVar:

ClinVar aggregate classification (germline): Uncertain significance (1 of 4 stars; one submission).

Conditions:
Fanconi anemia (FA). Also called: Fanconi's anemia. Identifiers: Orphanet 84, MedGen C0015625, MeSH D005199, MONDO:0019391.

Submission:

Labcorp Genetics (formerly Invitae), Labcorp
Classification: Uncertain significance for Fanconi anemia. Last evaluated: 2025-07-20. Review status: criteria provided, single submitter. Criteria: Invitae Variant Classification Sherloc (09022015). Collection method: clinical testing. Allele origin: germline.
Comment: This sequence change replaces alanine, which is neutral and non-polar, with glycine, which is neutral and non-polar, at codon 1399 of the FANCA protein (p.Ala1399Gly). This variant is not present in population databases (gnomAD no frequency). This variant has not been reported in the literature in individuals affected with FANCA-related conditions. Invitae Evidence Modeling of protein sequence and biophysical properties (such as structural, functional, and spatial information, amino acid conservation, physicochemical variation, residue mobility, and thermodynamic stability) has been performed for this missense variant. However, the output from this modeling did not meet the statistical confidence thresholds required to predict the impact of this variant on FANCA protein function. In summary, the available evidence is currently insufficient to determine the role of this variant in disease. Therefore, it has been classified as a Variant of Uncertain Significance.

NM_000135.4(FANCA):c.4196C>G (p.Ala1399Gly)

Genes: FANCA (FA complementation group A; minus strand), ZNF276 (zinc finger protein 276; plus strand). Cytogenetic location: 16q24.3.
Variant type: single nucleotide variant.
Coding change: c.4196C>G on transcript NM_000135.4 (MANE Select); coding-DNA position 4196, C replaced by G.
Protein change: p.Ala1399Gly; replaces alanine 1399 with glycine.
Molecular consequence: missense variant. On other transcripts: 3 prime UTR variant (2), non-coding transcript variant (4).
Genome position (GRCh38, 1-based): chr16:89,738,946, G>C on the plus strand (C>G on the coding strand, the complement: FANCA is on the minus strand). VCF-style: chr16-89738946-G-C. GRCh37 (hg19) VCF-style: chr16-89805354-G-C.
Other names: c.4200C>G, p.Ser1400Arg (NM_001286167.3); c.*700G>C (NM_001113525.2, NM_152287.4); short protein forms A1399G, S1400R.
Identifiers: ClinVar variation 4807828 (VCV004807828.1).